The following is an entry in ClinVar:

NM_001267550.2(TTN):c.14510C>G (p.Pro4837Arg)

Gene: TTN (titin; minus strand). Cytogenetic location: 2q31.2.
Variant type: single nucleotide variant.
Coding change: c.14510C>G on transcript NM_001267550.2 (MANE Select); coding-DNA position 14510, C replaced by G.
Protein change: p.Pro4837Arg; replaces proline 4837 with arginine.
Molecular consequence: missense variant. On other transcripts: intron variant (3).
Genome position (GRCh38, 1-based): chr2:178,735,936, G>C on the plus strand (C>G on the coding strand, the complement: TTN is on the minus strand). VCF-style: chr2-178735936-G-C. GRCh37 (hg19) VCF-style: chr2-179600663-G-C.
Other names: c.13559C>G, p.Pro4520Arg (NM_001256850.1); c.10778C>G, p.Pro3593Arg (NM_133378.4); c.13282+2146C>G (NM_003319.4); c.13858+2146C>G (NM_133437.4); c.13657+2146C>G (NM_133432.3); short protein forms P3593R, P4520R, P4837R.
Identifiers: ClinVar variation 2008935 (VCV002008935.4), dbSNP rs1291141509, ClinGen allele CA349599398.

ClinVar aggregate classification (germline): Uncertain significance (1 of 4 stars; one submission).

Conditions:
Dilated cardiomyopathy 1G (CMD1G). Identifiers: Orphanet 154, MedGen C1858763, MONDO:0011400, OMIM 604145.
Autosomal recessive limb-girdle muscular dystrophy type 2J (LGMDR10). Also called: Limb-girdle muscular dystrophy, type 2J; MUSCULAR DYSTROPHY, LIMB-GIRDLE, AUTOSOMAL RECESSIVE 10. Identifiers: Orphanet 140922, MedGen C1837342, MONDO:0012127, OMIM 608807.

Submission:

Labcorp Genetics (formerly Invitae), Labcorp
Classification: Uncertain significance for Dilated cardiomyopathy 1G; Autosomal recessive limb-girdle muscular dystrophy type 2J. Last evaluated: 2022-06-22. Review status: criteria provided, single submitter. Criteria: Invitae Variant Classification Sherloc (09022015). Collection method: clinical testing. Allele origin: germline.
Comment: In summary, the available evidence is currently insufficient to determine the role of this variant in disease. Therefore, it has been classified as a Variant of Uncertain Significance. Experimental studies and prediction algorithms are not available or were not evaluated, and the functional significance of this variant is currently unknown. This variant has not been reported in the literature in individuals affected with TTN-related conditions. This variant is not present in population databases (gnomAD no frequency). This sequence change replaces proline, which is neutral and non-polar, with arginine, which is basic and polar, at codon 4837 of the TTN protein (p.Pro4837Arg).